The following is an entry in ClinVar:

NM_001042492.3(NF1):c.5023_5024del (p.Ser1675fs)

Gene: NF1 (neurofibromin 1; plus strand). Cytogenetic location: 17q11.2.
Variant type: Microsatellite.
Coding change: c.5023_5024del on transcript NM_001042492.3 (MANE Select); coding-DNA positions 5023 to 5024, 2 bases deleted (TC; older notation c.5023_5024delTC).
Protein change: p.Ser1675fs; shifts the reading frame from serine 1675.
Molecular consequence: frameshift variant.
Genome position (GRCh38, 1-based): chr17:31,326,007-31,326,008, TC deleted; deleting any 2 consecutive bases within chr17:31,326,005-31,326,008 gives the same sequence; the c. name uses the placement nearest the transcript's 3' end. VCF-style (leftmost placement, unchanged base first): chr17-31326004-GTC-G. GRCh37 (hg19) VCF-style: chr17-29653022-GTC-G.
Other names: c.5023_5024delTC (NM_001042492.2); c.4958_4959TC[1], p.Ser1654Argfs (NM_000267.4); short protein forms S1654fs, S1675fs.
Identifiers: ClinVar variation 233245 (VCV000233245.3), dbSNP rs876660286, ClinGen allele CA10580332.

ClinVar aggregate classification (germline): Pathogenic (1 of 4 stars; one submission).

Conditions:
Hereditary cancer-predisposing syndrome. Also called: Neoplastic Syndromes, Hereditary; Tumor predisposition; Hereditary Cancer Syndrome; Hereditary neoplastic syndrome. Identifiers: Orphanet 140162, MedGen C0027672, MeSH D009386, MONDO:0015356.

Submission:

Ambry Genetics
Classification: Pathogenic for Hereditary cancer-predisposing syndrome. Last evaluated: 2015-08-10. Review status: criteria provided, single submitter. Criteria: Ambry Autosomal Dominant and X-Linked criteria (10/2015). Collection method: clinical testing. Allele origin: germline. Observed: 1 variant allele.
Comment: The c.5023_5024delTC pathogenic mutation, located in coding exon 37 of the NF1 gene, results from a deletion of two nucleotides between nucleotide positions 5023 and 5024, causing a translational frameshift with a predicted alternate stop codon. Since frameshifts are typically deleterious in nature, this alteration is interpreted as a disease-causing mutation (ACMG Recommendations for Standards for Interpretation and Reporting of Sequence Variations. Revision 2007. Genet Med. 2008;10:294).